The following is an entry in ClinVar:

NM_007294.4(BRCA1):c.5194-423C>T

Gene: BRCA1 (BRCA1 DNA repair associated; minus strand). Cytogenetic location: 17q21.31.
Variant type: single nucleotide variant.
Coding change: c.5194-423C>T on transcript NM_007294.4 (MANE Select); 423 bases into the intron before coding-DNA position 5194, C replaced by T.
Molecular consequence: intron variant.
Genome position (GRCh38, 1-based): chr17:43,057,558, G>A on the plus strand (C>T on the coding strand, the complement: BRCA1 is on the minus strand). VCF-style: chr17-43057558-G-A. GRCh37 (hg19) VCF-style: chr17-41209575-G-A.
Other names: IVS 19-423C>T; c.1741-423C>T (NM_001408458.1, NM_001408461.1, NM_001408464.1 and 7 more transcripts); c.4303-423C>T (NM_001407967.1); c.4813-423C>T (NM_001407959.1); c.4927-423C>T (NM_001407931.1, NM_001407932.1, NM_001407928.1 and 4 more transcripts); c.5050-423C>T (NM_001407747.1, NM_001407745.1, NM_001407737.1 and 21 more transcripts); c.4810-423C>T (NM_001407962.1, NM_001407960.1); c.1381-423C>T (NM_001408512.1); and 73 more.
Identifiers: ClinVar variation 209290 (VCV000209290.2), dbSNP rs149635371, ClinGen allele CA276262.

ClinVar aggregate classification (germline): Benign (3 of 4 stars; one submission).

Conditions:
Breast-ovarian cancer, familial, susceptibility to, 1 (BROVCA1). Also called: BRCA1 Hereditary Breast and Ovarian Cancer; OVARIAN CANCER, SUSCEPTIBILITY TO. Identifiers: Orphanet 145, MedGen C2676676, MONDO:0011450, OMIM 604370. Disease mechanism: loss of function.

Allele frequency attached by ClinVar (database versions not stated): 1000 Genomes Project 30x 0.00422; gnomAD 0.00474 and 0.00512; 1000 Genomes Project 0.00519; TOPMed 0.00523.

Submission:

Evidence-based Network for the Interpretation of Germline Mutant Alleles (ENIGMA)
Classification: Benign for Breast-ovarian cancer, familial 1. Last evaluated: 2015-01-12. Review status: reviewed by expert panel. Criteria: ENIGMA BRCA1/2 Classification Criteria (2015). Collection method: curation. Allele origin: germline.
Comment: Class 1 not pathogenic based on frequency >1% in an outbred sampleset. Frequency 0.03252 (African), derived from 1000 genomes (2012-04-30).